The following is an entry in ClinVar:

ClinVar aggregate classification (germline): Likely benign. Review status: criteria provided, multiple submitters, no conflicts (2 of 4 stars). 4 submissions from 4 submitters: Likely benign (4). Last evaluated 2026-01-31.

Conditions:
Lipodystrophy, partial, acquired, susceptibility to (APLD). Also called: APLD, SUSCEPTIBILITY TO. Identifiers: MedGen C3887501, MONDO:0100476, OMIM 608709.
Progressive myoclonic epilepsy type 9. Identifiers: Orphanet 457265, MedGen C4225289, MONDO:0014685, OMIM 616540.

Allele frequency attached by ClinVar (database versions not stated): ESP Exome Variant Server 0.00008; gnomAD 0.00010 and 0.00014; gnomAD exomes 0.00019 and 0.00027; TOPMed 0.00019; ExAC 0.00023; 1000 Genomes Project 30x 0.00031; 1000 Genomes Project 0.00040.
gnomAD v4.1: 297 of 1,614,072 alleles (0.018%); highest among the groups gnomAD compares: East Asian, 0.35%; no homozygotes.

Submissions (4):

Labcorp Genetics (formerly Invitae), Labcorp
Classification: Likely benign for Progressive myoclonic epilepsy type 9; Lipodystrophy, partial, acquired, susceptibility to. Last evaluated: 2026-01-31. Review status: criteria provided, single submitter. Criteria: Invitae Variant Classification Sherloc (09022015). Collection method: clinical testing. Allele origin: germline.

Athena Diagnostics
Classification: Likely benign. Last evaluated: 2024-01-16. Review status: criteria provided, single submitter. Criteria: Athena Diagnostics Criteria. Collection method: clinical testing. Allele origin: unknown.

CeGaT Center for Human Genetics Tuebingen
Classification: Likely benign. Last evaluated: 2023-02-01. Review status: criteria provided, single submitter. Criteria: CeGaT Center For Human Genetics Tuebingen Variant Classification Criteria Version 2. Collection method: clinical testing. Allele origin: germline. Affected: yes. Observed: 1 variant allele.
Comment: LMNB2: BP4

Breakthrough Genomics
Classification: Likely benign. Review status: criteria provided, single submitter. Criteria: ACMG Guidelines, 2015. Collection method: not provided. Allele origin: germline. Inheritance: Autosomal recessive inheritance. Affected: yes.

NM_032737.4(LMNB2):c.1742C>T (p.Ser581Leu)

Gene: LMNB2 (lamin B2; minus strand). Cytogenetic location: 19p13.3.
Variant type: single nucleotide variant.
Coding change: c.1742C>T on transcript NM_032737.4 (MANE Select); coding-DNA position 1742, C replaced by T.
Protein change: p.Ser581Leu; replaces serine 581 with leucine.
Molecular consequence: missense variant.
Genome position (GRCh38, 1-based): chr19:2,431,627, G>A on the plus strand (C>T on the coding strand, the complement: LMNB2 is on the minus strand). VCF-style: chr19-2431627-G-A. GRCh37 (hg19) VCF-style: chr19-2431625-G-A.
Other names: short protein forms S581L.
Identifiers: ClinVar variation 971207 (VCV000971207.36), dbSNP rs147230168, ClinGen allele CA9067323.